The following is an entry in ClinVar:

ClinVar aggregate classification (germline): Uncertain significance (1 of 4 stars; one submission).

Allele frequency attached by ClinVar (database versions not stated): gnomAD exomes below 0.00001 and 0.00001.
gnomAD v4.1: 1 of 1,614,136 alleles (0.000062%); highest among the groups gnomAD compares: Admixed American, 0.0017%; no homozygotes.

Submission:

Labcorp Genetics (formerly Invitae), Labcorp
Classification: Uncertain significance. Last evaluated: 2022-07-18. Review status: criteria provided, single submitter. Criteria: Invitae Variant Classification Sherloc (09022015). Collection method: clinical testing. Allele origin: germline.
Comment: Advanced modeling of protein sequence and biophysical properties (such as structural, functional, and spatial information, amino acid conservation, physicochemical variation, residue mobility, and thermodynamic stability) performed at Invitae indicates that this missense variant is not expected to disrupt FAT4 protein function. ClinVar contains an entry for this variant (Variation ID: 1384867). This variant has not been reported in the literature in individuals affected with FAT4-related conditions. This variant is present in population databases (no rsID available, gnomAD 0.006%). This sequence change replaces glutamine, which is neutral and polar, with arginine, which is basic and polar, at codon 1461 of the FAT4 protein (p.Gln1461Arg). In summary, the available evidence is currently insufficient to determine the role of this variant in disease. Therefore, it has been classified as a Variant of Uncertain Significance.

NM_001291303.3(FAT4):c.4382A>G (p.Gln1461Arg)

Gene: FAT4 (FAT atypical cadherin 4; plus strand). Cytogenetic location: 4q28.1.
Variant type: single nucleotide variant.
Coding change: c.4382A>G on transcript NM_001291303.3 (MANE Select); coding-DNA position 4382, A replaced by G.
Protein change: p.Gln1461Arg; replaces glutamine 1461 with arginine.
Molecular consequence: missense variant.
Genome position (GRCh38, 1-based): chr4:125,320,793, A>G. VCF-style: chr4-125320793-A-G. GRCh37 (hg19) VCF-style: chr4-126241948-A-G.
Other names: c.4382A>G, p.Gln1461Arg (NM_001291285.3, NM_024582.6); short protein forms Q1461R.
Identifiers: ClinVar variation 1384867 (VCV001384867.6), dbSNP rs1468654357, ClinGen allele CA358126288.
Genomic context (GRCh38, chr4:125,320,793, plus strand): 5'-CAGTGACTGCACATGACCCTGATGCAGACATTAATGGTCAACTATCCTACACAATCATTC[A>G]ACAGATGCCAAGAGGCAACCACTTTACCATAGATGAAGTCAAAGGGACTATATATACTAA-3'
Protein context (NP_001278232.1, residues 1451-1471): INGQLSYTII[Gln1461Arg]QMPRGNHFTI